The following is an entry in ClinVar:

NM_013291.3(CPSF1):c.2166G>C (p.Gly722=)

Gene: CPSF1 (cleavage and polyadenylation specific factor 1; minus strand). Cytogenetic location: 8q24.3.
Variant type: single nucleotide variant.
Coding change: c.2166G>C on transcript NM_013291.3 (MANE Select); coding-DNA position 2166, G replaced by C.
Protein change: p.Gly722=; no amino-acid change (glycine 722 retained).
Molecular consequence: synonymous variant.
Genome position (GRCh38, 1-based): chr8:144,397,787, C>G on the plus strand (G>C on the coding strand, the complement: CPSF1 is on the minus strand). VCF-style: chr8-144397787-C-G. GRCh37 (hg19) VCF-style: chr8-145623002-C-G.
Identifiers: ClinVar variation 3898134 (VCV003898134.8).

ClinVar aggregate classification (germline): Likely benign. Review status: criteria provided, multiple submitters, no conflicts (2 of 4 stars). 2 submissions from 2 submitters: Likely benign (2). Last evaluated 2025-06-01.

gnomAD v4.1: 917 of 1,610,494 alleles (0.057%); highest among the groups gnomAD compares: African/African-American, 0.54%; 2 homozygotes.

Submissions (2):

CeGaT Center for Human Genetics Tuebingen
Classification: Likely benign. Last evaluated: 2025-06-01. Review status: criteria provided, single submitter. Criteria: CeGaT Center For Human Genetics Tuebingen Variant Classification Criteria Version 2. Collection method: clinical testing. Allele origin: germline. Affected: yes. Observed: 2 variant alleles.
Comment: CPSF1: BP4, BP7

Blueprint Genetics
Classification: Likely benign. Last evaluated: 2024-11-01. Review status: criteria provided, single submitter. Criteria: ACMG Guidelines, 2015. Collection method: clinical testing. Allele origin: germline.